The following is an entry in ClinVar:

NM_001354604.2(MITF):c.1340C>T (p.Thr447Ile)

Gene: MITF (melanocyte inducing transcription factor; plus strand). Cytogenetic location: 3p13.
Variant type: single nucleotide variant.
Coding change: c.1340C>T on transcript NM_001354604.2 (MANE Select); coding-DNA position 1340, C replaced by T.
Protein change: p.Thr447Ile; replaces threonine 447 with isoleucine.
Molecular consequence: missense variant.
Genome position (GRCh38, 1-based): chr3:69,965,007, C>T. VCF-style: chr3-69965007-C-T. GRCh37 (hg19) VCF-style: chr3-70014158-C-T.
Other names: c.1019C>T, p.Thr340Ile (NM_000248.4); c.1166C>T, p.Thr389Ile (NM_001184967.2, NM_001354608.2); c.1337C>T, p.Thr446Ile (NM_001354605.2); c.1319C>T, p.Thr440Ile (NM_001354606.2, NM_006722.3); c.1271C>T, p.Thr424Ile (NM_001354607.2); c.1001C>T, p.Thr334Ile (NM_198158.3); c.1322C>T, p.Thr441Ile (NM_198159.3); c.1274C>T, p.Thr425Ile (NM_198177.3); and 1 more; short protein forms T278I, T334I, T340I, T389I, T424I, T425I, T440I, T441I.
Identifiers: ClinVar variation 3755287 (VCV003755287.2).
Genomic context (GRCh38, chr3:69,965,007, plus strand): 5'-TTCTTGAGAACTGCAGCCAAGACCTCCTTCAGCATCATGCAGACCTAACCTGTACAACAA[C>T]TCTCGATCTCACGGATGGCACCATCACCTTCAACAACAACCTCGGAACTGGGACTGAGGC-3'
Protein context (NP_001341533.1, residues 437-457): QHHADLTCTT[Thr447Ile]LDLTDGTITF

ClinVar aggregate classification (germline): Uncertain significance (1 of 4 stars; one submission).

Conditions:
Tietz syndrome (TADS). Also called: HYPOPIGMENTATION/DEAFNESS OF TIETZ; TIETZ ALBINISM-DEAFNESS SYNDROME; ALBINISM-DEAFNESS OF TIETZ. Identifiers: Orphanet 42665, MedGen C0391816, MONDO:0007077, OMIM 103500.
Waardenburg syndrome type 2A (WS2A). Also called: WAARDENBURG SYNDROME WITHOUT DYSTOPIA CANTHORUM. Identifiers: Orphanet 3440, MedGen C1860339, MONDO:0008671, OMIM 193510.
Melanoma, cutaneous malignant, susceptibility to, 8. Also called: MELANOMA AND RENAL CELL CARCINOMA, SUSCEPTIBILITY TO; Cutaneous malignant melanoma 8. Identifiers: Orphanet 293822, MedGen C3152204, MONDO:0013759, OMIM 614456.

Submission:

Labcorp Genetics (formerly Invitae), Labcorp
Classification: Uncertain significance for Melanoma, cutaneous malignant, susceptibility to, 8; Waardenburg syndrome type 2A; Tietz syndrome. Last evaluated: 2024-03-14. Review status: criteria provided, single submitter. Criteria: Invitae Variant Classification Sherloc (09022015). Collection method: clinical testing. Allele origin: germline.
Comment: This sequence change replaces threonine, which is neutral and polar, with isoleucine, which is neutral and non-polar, at codon 340 of the MITF protein (p.Thr340Ile). This variant is not present in population databases (gnomAD no frequency). This variant has not been reported in the literature in individuals affected with MITF-related conditions. Advanced modeling of protein sequence and biophysical properties (such as structural, functional, and spatial information, amino acid conservation, physicochemical variation, residue mobility, and thermodynamic stability) has been performed at Invitae for this missense variant, however the output from this modeling did not meet the statistical confidence thresholds required to predict the impact of this variant on MITF protein function. In summary, the available evidence is currently insufficient to determine the role of this variant in disease. Therefore, it has been classified as a Variant of Uncertain Significance.